The following is an entry in ClinVar:

ClinVar aggregate classification (germline): Uncertain significance (1 of 4 stars; one submission).

Conditions:
Retinitis pigmentosa 12 (RP12). Also called: RP WITH OR WITHOUT PPRPE; RP WITH OR WITHOUT PRESERVED PARAARTERIOLE RETINAL PIGMENT EPITHELIUM; RETINITIS PIGMENTOSA WITH OR WITHOUT PARAARTERIOLAR PRESERVATION OF RETINAL PIGMENT EPITHELIUM. Identifiers: Orphanet 791, MedGen C1838647, MONDO:0010818, OMIM 600105.
Leber congenital amaurosis 8 (LCA8). Identifiers: Orphanet 65, MedGen C3151202, MONDO:0013453, OMIM 613835.

Allele frequency attached by ClinVar (database versions not stated): gnomAD exomes below 0.00001.
gnomAD v4.1: 1 of 1,614,188 alleles (0.000062%); highest among the groups gnomAD compares: Admixed American, 0.0017%; no homozygotes.

Submission:

Labcorp Genetics (formerly Invitae), Labcorp
Classification: Uncertain significance for Leber congenital amaurosis 8; Retinitis pigmentosa 12. Last evaluated: 2022-06-23. Review status: criteria provided, single submitter. Criteria: Invitae Variant Classification Sherloc (09022015). Collection method: clinical testing. Allele origin: germline.
Comment: This sequence change replaces cysteine, which is neutral and slightly polar, with tyrosine, which is neutral and polar, at codon 233 of the CRB1 protein (p.Cys233Tyr). In summary, the available evidence is currently insufficient to determine the role of this variant in disease. Therefore, it has been classified as a Variant of Uncertain Significance. Advanced modeling of protein sequence and biophysical properties (such as structural, functional, and spatial information, amino acid conservation, physicochemical variation, residue mobility, and thermodynamic stability) performed at Invitae indicates that this missense variant is expected to disrupt CRB1 protein function. This variant has not been reported in the literature in individuals affected with CRB1-related conditions. This variant is present in population databases (no rsID available, gnomAD 0.003%).

NM_201253.3(CRB1):c.698G>A (p.Cys233Tyr)

Gene: CRB1 (crumbs cell polarity complex component 1; plus strand). Cytogenetic location: 1q31.3.
Variant type: single nucleotide variant.
Coding change: c.698G>A on transcript NM_201253.3 (MANE Select); coding-DNA position 698, G replaced by A.
Protein change: p.Cys233Tyr; replaces cysteine 233 with tyrosine.
Molecular consequence: missense variant. On other transcripts: non-coding transcript variant (2), intron variant (1).
Genome position (GRCh38, 1-based): chr1:197,344,326, G>A. VCF-style: chr1-197344326-G-A. GRCh37 (hg19) VCF-style: chr1-197313456-G-A.
Other names: c.491G>A, p.Cys164Tyr (NM_001257965.2); c.698G>A, p.Cys233Tyr (NM_001257966.2); c.653-12505G>A (NM_001193640.2); short protein forms C164Y, C233Y.
Identifiers: ClinVar variation 2009855 (VCV002009855.4), dbSNP rs1169050477, ClinGen allele CA344083205.